The following is an entry in ClinVar:

ClinVar aggregate classification (germline): Uncertain significance (1 of 4 stars; one submission).

Submission:

CeGaT Center for Human Genetics Tuebingen
Classification: Uncertain significance. Last evaluated: 2024-06-01. Review status: criteria provided, single submitter. Criteria: CeGaT Center For Human Genetics Tuebingen Variant Classification Criteria Version 2. Collection method: clinical testing. Allele origin: germline. Affected: yes. Observed: 1 variant allele.
Comment: NBEA: PM2

NM_001385012.1(NBEA):c.542T>C (p.Met181Thr)

Gene: NBEA (neurobeachin; plus strand). Cytogenetic location: 13q13.3.
Variant type: single nucleotide variant.
Coding change: c.542T>C on transcript NM_001385012.1 (MANE Select); coding-DNA position 542, T replaced by C.
Protein change: p.Met181Thr; replaces methionine 181 with threonine.
Molecular consequence: missense variant.
Genome position (GRCh38, 1-based): chr13:35,044,962, T>C. VCF-style: chr13-35044962-T-C. GRCh37 (hg19) VCF-style: chr13-35619099-T-C.
Other names: c.542T>C, p.Met181Thr (NM_001379245.1, NM_015678.5); short protein forms M181T.
Identifiers: ClinVar variation 3251037 (VCV003251037.18), dbSNP rs185606417.